The following is an entry in ClinVar:

ClinVar aggregate classification (germline): Pathogenic. Review status: reviewed by expert panel (3 of 4 stars). 2 submissions from 2 submitters: Pathogenic (1). 1 of the submissions does not count toward it. Last evaluated 2016-10-18.

Conditions:
Breast-ovarian cancer, familial, susceptibility to, 2 (BROVCA2). Also called: BRCA2 Hereditary Breast and Ovarian Cancer. Identifiers: Orphanet 145, MedGen C2675520, MONDO:0012933, OMIM 612555. Disease mechanism: loss of function.

Submissions (2):

Evidence-based Network for the Interpretation of Germline Mutant Alleles (ENIGMA)
Classification: Pathogenic for Breast-ovarian cancer, familial, susceptibility to, 2. Last evaluated: 2016-10-18. Review status: reviewed by expert panel. Criteria: ENIGMA BRCA1/2 Classification Criteria (2015). Collection method: curation. Allele origin: germline.
Comment: Variant allele predicted to encode a truncated non-functional protein.

Consortium of Investigators of Modifiers of BRCA1/2 (CIMBA), c/o University of Cambridge
Classification: Pathogenic for Breast-ovarian cancer, familial, susceptibility to, 2. Last evaluated: 2015-10-02. Review status: criteria provided, single submitter. Criteria: CIMBA Mutation Classification guidelines May 2016. Collection method: clinical testing. Allele origin: germline. Not counted in ClinVar's aggregate classification.

NM_000059.4(BRCA2):c.8393dup (p.Pro2798_Arg2799insTer)

Gene: BRCA2 (BRCA2 DNA repair associated; plus strand). Cytogenetic location: 13q13.1.
Variant type: Duplication.
Coding change: c.8393dup on transcript NM_000059.4 (MANE Select); coding-DNA position 8393, one base duplicated (C; older notation c.8393dupC).
Protein change: p.Pro2798_Arg2799insTer.
Molecular consequence: frameshift variant.
Genome position (GRCh38, 1-based): chr13:32,370,463, C duplicated; the last of 3 consecutive C bases (chr13:32,370,461-32,370,463); duplicating any one gives the same sequence. VCF-style (leftmost placement, unchanged base first): chr13-32370460-A-AC. GRCh37 (hg19) VCF-style: chr13-32944597-A-AC.
Other names: 8621dupC.
Identifiers: ClinVar variation 267081 (VCV000267081.5), dbSNP rs886040770, ClinGen allele CA10589493.
Genomic context (GRCh38, chr13:32,370,460, plus strand): 5'-AGATTTCTGCTAACAGTACTCGGCCTGCTCGCTGGTATACCAAACTTGGATTCTTTCCTG[A>AC]CCCTAGACCTTTTCCTCTGCCCTTATCATCGCTTTTCAGTGATGGAGGAAATGTTGGTTG-3'